The following is an entry in ClinVar:

ClinVar aggregate classification (germline): Likely benign (1 of 4 stars; one submission).

Submission:

GeneDx
Classification: Likely benign. Last evaluated: 2017-05-11. Review status: criteria provided, single submitter. Criteria: GeneDx Variant Classification (06012015). Collection method: clinical testing. Allele origin: germline. Affected: yes.
Comment: This variant is considered likely benign or benign based on one or more of the following criteria: it is a conservative change, it occurs at a poorly conserved position in the protein, it is predicted to be benign by multiple in silico algorithms, and/or has population frequency not consistent with disease.

NM_001378609.3(OTOGL):c.6456G>C (p.Thr2152=)

Gene: OTOGL (otogelin like; plus strand). Cytogenetic location: 12q21.31.
Variant type: single nucleotide variant.
Coding change: c.6456G>C on transcript NM_001378609.3 (MANE Select); coding-DNA position 6456, G replaced by C.
Protein change: p.Thr2152=; no amino-acid change (threonine 2152 retained).
Molecular consequence: synonymous variant.
Genome position (GRCh38, 1-based): chr12:80,367,685, G>C. VCF-style: chr12-80367685-G-C. GRCh37 (hg19) VCF-style: chr12-80761465-G-C.
Other names: c.6321G>C, p.Thr2107= (NM_001368062.3); c.6456G>C, p.Thr2152= (NM_001378610.3, NM_173591.7).
Identifiers: ClinVar variation 508710 (VCV000508710.1), dbSNP rs2717482, ClinGen allele CA480824082.
Genomic context (GRCh38, chr12:80,367,685, plus strand): 5'-GTATTTGGAAGAAGACTTTTGTTATGCTATAGAGTGTCTGGAAGAAAAAGATAACCATAC[G>C]GGCTTTCACACTCTGAATTTTACACTGGTGAATTGTTCAAAAAAATGTGATGTTGTAAGT-3'
Protein context (NP_001365538.2, residues 2142-2162): IECLEEKDNH[Thr2152=]GFHTLNFTLV